The following is an entry in ClinVar:

ClinVar aggregate classification (germline): Uncertain significance (1 of 4 stars; one submission).

gnomAD v4.1: 1 of 1,612,716 alleles (0.000062%); highest among the groups gnomAD compares: Non-Finnish European, 0.000085%; no homozygotes.

Submission:

GeneDx
Classification: Uncertain significance. Last evaluated: 2019-08-27. Review status: criteria provided, single submitter. Criteria: GeneDx Variant Classification Process June 2021. Collection method: clinical testing. Allele origin: germline. Affected: yes.
Comment: Has not been previously published as pathogenic or benign to our knowledge; Not observed in large population cohorts (Lek et al., 2016); In silico analysis, which includes protein predictors and evolutionary conservation, supports that this variant does not alter protein structure/function

NM_004100.5(EYA4):c.293T>C (p.Val98Ala)

Genes: EYA4 (EYA transcriptional coactivator and phosphatase 4; plus strand), EYA4-AS2 (EYA4 antisense RNA 2; minus strand). Cytogenetic location: 6q23.2.
Variant type: single nucleotide variant.
Coding change: c.293T>C on transcript NM_004100.5 (MANE Select); coding-DNA position 293, T replaced by C.
Protein change: p.Val98Ala; replaces valine 98 with alanine.
Molecular consequence: missense variant. On other transcripts: intron variant (2).
Genome position (GRCh38, 1-based): chr6:133,456,571, T>C. VCF-style: chr6-133456571-T-C. GRCh37 (hg19) VCF-style: chr6-133777709-T-C.
Other names: c.293T>C, p.Val98Ala (NM_001301013.2, NM_172105.4); c.224T>C, p.Val75Ala (NM_001370458.1, NM_172103.4); c.209-4543T>C (NM_001370459.1, NM_001301012.2); short protein forms V75A, V98A.
Identifiers: ClinVar variation 1318902 (VCV001318902.2), dbSNP rs2128644160, ClinGen allele CA365694283.